The following is an entry in ClinVar:

ClinVar aggregate classification (germline): Uncertain significance. Review status: criteria provided, multiple submitters, no conflicts (2 of 4 stars). 6 submissions from 5 submitters: Uncertain significance (6). Last evaluated 2025-01-17.

Conditions:
Myopia 6 (MYP6). Identifiers: MedGen C1837148, MONDO:0012154, OMIM 608908.
Cardioencephalomyopathy, fatal infantile, due to cytochrome c oxidase deficiency 1 (MC4DN2). Also called: CYTOCHROME c OXIDASE DEFICIENCY, FATAL INFANTILE, WITH CARDIOENCEPHALOMYOPATHY; MITOCHONDRIAL COMPLEX IV DEFICIENCY, NUCLEAR TYPE 2. Identifiers: Orphanet 1561, MedGen C5399977, MONDO:0011451, OMIM 604377.
Mitochondrial complex IV deficiency, nuclear type 1 (MC4DN1). Also called: COX DEFICIENCY; Mitochondrial complex IV deficiency; Complex 4 mitochondrial respiratory chain deficiency; Deficiency of mitochondrial respiratory chain complex4; Complex IV deficiency. Identifiers: MedGen C5435656, MONDO:0700250, OMIM 220110. Disease mechanism: loss of function.
Inborn genetic diseases. Identifiers: MedGen C0950123, MeSH D030342.

Allele frequency attached by ClinVar (database versions not stated): gnomAD 0.00003 and 0.00006; TOPMed 0.00004; gnomAD exomes 0.00007 and 0.00013; ExAC 0.00014.
gnomAD v4.1: 104 of 1,610,236 alleles (0.0065%); highest among the groups gnomAD compares: South Asian, 0.08%; 2 homozygotes.

Submissions (6):

Ambry Genetics
Classification: Uncertain significance for Inborn genetic diseases. Last evaluated: 2025-01-17. Review status: criteria provided, single submitter. Criteria: Ambry Variant Classification Scheme 2023. Collection method: clinical testing. Allele origin: germline.

GeneDx
Classification: Uncertain significance. Last evaluated: 2023-01-26. Review status: criteria provided, single submitter. Criteria: GeneDx Variant Classification Process June 2021. Collection method: clinical testing. Allele origin: germline. Affected: yes.
Comment: In silico analysis supports that this missense variant has a deleterious effect on protein structure/function; Has not been previously published as pathogenic or benign to our knowledge

Labcorp Genetics (formerly Invitae), Labcorp
Classification: Uncertain significance. Last evaluated: 2022-07-11. Review status: criteria provided, single submitter. Criteria: Invitae Variant Classification Sherloc (09022015). Collection method: clinical testing. Allele origin: germline.
Comment: This sequence change replaces lysine, which is basic and polar, with glutamic acid, which is acidic and polar, at codon 82 of the SCO2 protein (p.Lys82Glu). This variant is present in population databases (rs765425160, gnomAD 0.08%). This variant has not been reported in the literature in individuals affected with SCO2-related conditions. ClinVar contains an entry for this variant (Variation ID: 342125). Algorithms developed to predict the effect of missense changes on protein structure and function are either unavailable or do not agree on the potential impact of this missense change (SIFT: "Tolerated"; PolyPhen-2: "Probably Damaging"; Align-GVGD: "Class C0"). In summary, the available evidence is currently insufficient to determine the role of this variant in disease. Therefore, it has been classified as a Variant of Uncertain Significance.

Fulgent Genetics
Classification: Uncertain significance for Cardioencephalomyopathy, fatal infantile, due to cytochrome c oxidase deficiency 1; Myopia 6. Last evaluated: 2022-05-10. Review status: criteria provided, single submitter. Criteria: ACMG Guidelines, 2015. Collection method: clinical testing. Allele origin: unknown.

Illumina Laboratory Services, Illumina
Classification: Uncertain significance for Cardioencephalomyopathy, fatal infantile, due to cytochrome c oxidase deficiency 1. Last evaluated: 2018-01-13. Review status: criteria provided, single submitter. Criteria: ICSL Variant Classification Criteria 13 December 2019. Collection method: clinical testing. Allele origin: germline.

Illumina Laboratory Services, Illumina
Classification: Uncertain significance for Mitochondrial complex IV deficiency, nuclear type 1. Last evaluated: 2018-01-13. Review status: criteria provided, single submitter. Criteria: ICSL Variant Classification Criteria 13 December 2019. Collection method: clinical testing. Allele origin: germline.

NM_005138.3(SCO2):c.244A>G (p.Lys82Glu)

Genes: NCAPH2 (non-SMC condensin II complex subunit H2; plus strand), SCO2 (synthesis of cytochrome C oxidase 2; minus strand). Cytogenetic location: 22q13.33.
Variant type: single nucleotide variant.
Coding change: c.244A>G on transcript NM_005138.3 (MANE Select); coding-DNA position 244, A replaced by G.
Protein change: p.Lys82Glu; replaces lysine 82 with glutamic acid.
Molecular consequence: missense variant. On other transcripts: 3 prime UTR variant (2).
Genome position (GRCh38, 1-based): chr22:50,524,168, T>C on the plus strand (A>G on the coding strand, the complement: SCO2 is on the minus strand). VCF-style: chr22-50524168-T-C. GRCh37 (hg19) VCF-style: chr22-50962597-T-C.
Other names: c.*793T>C (NM_001185011.2, NM_152299.4); c.244A>G, p.Lys82Glu (NM_001169109.2, NM_001169110.1, NM_001169111.2); short protein forms K82E.
Identifiers: ClinVar variation 342125 (VCV000342125.12), dbSNP rs765425160, ClinGen allele CA10321254.